The following is an entry in ClinVar:

NM_004260.4(RECQL4):c.155C>G (p.Thr52Arg)

Genes: RECQL4 (RecQ like helicase 4; minus strand), LOC130001411 (ATAC-STARR-seq lymphoblastoid silent region 19699; plus strand). Cytogenetic location: 8q24.3.
Variant type: single nucleotide variant.
Coding change: c.155C>G on transcript NM_004260.4 (MANE Select); coding-DNA position 155, C replaced by G.
Protein change: p.Thr52Arg; replaces threonine 52 with arginine.
Molecular consequence: missense variant. On other transcripts: 5 prime UTR variant (16), non-coding transcript variant (3), intron variant (2).
Genome position (GRCh38, 1-based): chr8:144,517,472, G>C on the plus strand (C>G on the coding strand, the complement: RECQL4 is on the minus strand). VCF-style: chr8-144517472-G-C. GRCh37 (hg19) VCF-style: chr8-145742856-G-C.
Other names: c.155C>G, p.Thr52Arg (NM_001413017.1, NM_001413018.1, NM_001413019.1 and 5 more transcripts); c.-566C>G (NM_001413021.1); c.-917C>G (NM_001413022.1, NM_001413023.1, NM_001413037.1 and 2 more transcripts); c.-814C>G (NM_001413024.1, NM_001413035.1); c.-979C>G (NM_001413027.1, NM_001413030.1, NM_001413031.1 and 1 more transcripts); c.-642C>G (NM_001413028.1); c.-876C>G (NM_001413032.1); c.-821C>G (NM_001413034.1); and 3 more; short protein forms T52R.
Identifiers: ClinVar variation 4086335 (VCV004086335.1).

ClinVar aggregate classification (germline): Uncertain significance (1 of 4 stars; one submission).

gnomAD v4.1: 7 of 1,596,754 alleles (0.00044%); highest among the groups gnomAD compares: Non-Finnish European, 0.0006%; no homozygotes.

Submission:

GeneDx
Classification: Uncertain significance. Last evaluated: 2025-03-19. Review status: criteria provided, single submitter. Criteria: GeneDx Variant Classification Process June 2021. Collection method: clinical testing. Allele origin: germline. Affected: yes.
Comment: Not observed at significant frequency in large population cohorts (gnomAD); In silico analysis indicates that this missense variant does not alter protein structure/function; Has not been previously published as pathogenic or benign to our knowledge